The following is an entry in ClinVar:

NM_004046.6(ATP5F1A):c.551C>T (p.Ser184Leu)

Gene: ATP5F1A (ATP synthase F1 subunit alpha; minus strand). Cytogenetic location: 18q21.1.
Variant type: single nucleotide variant.
Coding change: c.551C>T on transcript NM_004046.6 (MANE Select); coding-DNA position 551, C replaced by T.
Protein change: p.Ser184Leu; replaces serine 184 with leucine.
Molecular consequence: missense variant.
Genome position (GRCh38, 1-based): chr18:46,089,665, G>A on the plus strand (C>T on the coding strand, the complement: ATP5F1A is on the minus strand). VCF-style: chr18-46089665-G-A. GRCh37 (hg19) VCF-style: chr18-43669631-G-A.
Other names: c.401C>T, p.Ser134Leu (NM_001001935.3, NM_001257335.2); c.551C>T, p.Ser184Leu (NM_001001937.2); c.485C>T, p.Ser162Leu (NM_001257334.2); short protein forms S134L, S162L, S184L.
Identifiers: ClinVar variation 3372879 (VCV003372879.1).

ClinVar aggregate classification (germline): Uncertain significance (1 of 4 stars; one submission).

Submission:

GeneDx
Classification: Uncertain significance. Last evaluated: 2024-04-24. Review status: criteria provided, single submitter. Criteria: GeneDx Variant Classification Process June 2021. Collection method: clinical testing. Allele origin: germline. Affected: yes.
Comment: Not observed at significant frequency in large population cohorts (gnomAD); In silico analysis supports that this missense variant has a deleterious effect on protein structure/function; Has not been previously published as pathogenic or benign to our knowledge